The following is an entry in ClinVar:

NM_183075.3(CYP2U1):c.490+6C>T

Genes: CYP2U1 (cytochrome P450 family 2 subfamily U member 1; plus strand), LOC129992929 (ATAC-STARR-seq lymphoblastoid active region 21791; plus strand). Cytogenetic location: 4q25.
Variant type: single nucleotide variant.
Coding change: c.490+6C>T on transcript NM_183075.3 (MANE Select); 6 bases into the intron after coding-DNA position 490, C replaced by T.
Molecular consequence: intron variant.
Genome position (GRCh38, 1-based): chr4:107,932,139, C>T. VCF-style: chr4-107932139-C-T. GRCh37 (hg19) VCF-style: chr4-108853295-C-T.
Other names: p.?.
Identifiers: ClinVar variation 242188 (VCV000242188.15), dbSNP rs147612190, ClinGen allele CA3037001.

ClinVar aggregate classification (germline): Benign. Review status: criteria provided, multiple submitters, no conflicts (2 of 4 stars). 5 submissions from 5 submitters: Benign (5). Last evaluated 2026-02-01.

Conditions:
Spastic paraplegia. Identifiers: MedGen C0037772, HP:0001258.
Hereditary spastic paraplegia. Also called: Familial spastic paraparesis. Identifiers: Orphanet 685, MedGen C0037773, MONDO:0019064. Disease mechanism: loss of function.

Allele frequency attached by ClinVar (database versions not stated): 1000 Genomes Project 0.00499; 1000 Genomes Project 30x 0.00531; TOPMed 0.01331; ESP Exome Variant Server 0.01473; gnomAD 0.01483 and 0.01512.
gnomAD v4.1: 31,155 of 1,600,114 alleles (1.9%); highest among the groups gnomAD compares: Middle Eastern, 3.5%; 354 homozygotes.

Submissions (5):

Labcorp Genetics (formerly Invitae), Labcorp
Classification: Benign for Spastic paraplegia. Last evaluated: 2026-02-01. Review status: criteria provided, single submitter. Criteria: Invitae Variant Classification Sherloc (09022015). Collection method: clinical testing. Allele origin: germline.

Genome Diagnostics Laboratory, The Hospital for Sick Children
Classification: Benign for Hereditary spastic paraplegia. Last evaluated: 2021-12-22. Review status: criteria provided, single submitter. Criteria: ACMG Guidelines, 2015. Collection method: clinical testing. Allele origin: germline. Affected: yes.

Mayo Clinic Laboratories, Mayo Clinic
Classification: Benign. Last evaluated: 2018-05-23. Review status: criteria provided, single submitter. Criteria: ACMG Guidelines, 2015. Collection method: clinical testing. Allele origin: germline. Observed: 65 variant alleles.

GeneDx
Classification: Benign. Last evaluated: 2017-06-02. Review status: criteria provided, single submitter. Criteria: GeneDx Variant Classification (06012015). Collection method: clinical testing. Allele origin: germline. Affected: yes.
Comment: This variant is considered likely benign or benign based on one or more of the following criteria: it is a conservative change, it occurs at a poorly conserved position in the protein, it is predicted to be benign by multiple in silico algorithms, and/or has population frequency not consistent with disease.

Breakthrough Genomics
Classification: Benign. Review status: criteria provided, single submitter. Criteria: ACMG Guidelines, 2015. Collection method: not provided. Allele origin: germline. Inheritance: Autosomal recessive inheritance. Affected: yes.